The following is an entry in ClinVar:

ClinVar aggregate classification (germline): Benign/Likely benign. Review status: criteria provided, multiple submitters, no conflicts (2 of 4 stars). 3 submissions from 3 submitters: Benign (1); Likely benign (2). Last evaluated 2026-08-01.

Allele frequency attached by ClinVar (database versions not stated): TOPMed 0.00004; gnomAD exomes 0.00005; gnomAD 0.00007; ExAC 0.00008.
gnomAD v4.1: 65 of 1,198,432 alleles (0.0054%); highest among the groups gnomAD compares: African/African-American, 0.007%; no homozygotes.

Submissions (3):

CeGaT Center for Human Genetics Tuebingen
Classification: Likely benign. Last evaluated: 2026-08-01. Review status: criteria provided, single submitter. Criteria: CeGaT Center For Human Genetics Tuebingen Variant Classification Criteria Version 2. Collection method: clinical testing. Allele origin: germline. Affected: yes. Observed: 3 variant alleles.
Comment: TAF1: BP4, BS2

Blueprint Genetics
Classification: Likely benign. Last evaluated: 2024-11-11. Review status: criteria provided, single submitter. Criteria: ACMG Guidelines, 2015. Collection method: clinical testing. Allele origin: germline.

Labcorp Genetics (formerly Invitae), Labcorp
Classification: Benign. Last evaluated: 2024-11-05. Review status: criteria provided, single submitter. Criteria: Invitae Variant Classification Sherloc (09022015). Collection method: clinical testing. Allele origin: germline.

NM_004606.5(TAF1):c.2122-3T>C

Gene: TAF1 (TATA-box binding protein associated factor 1; plus strand). Cytogenetic location: Xq13.1.
Variant type: single nucleotide variant.
Coding change: c.2122-3T>C on transcript NM_004606.5 (MANE Select); 3 bases into the intron before coding-DNA position 2122, T replaced by C.
Molecular consequence: intron variant.
Genome position (GRCh38, 1-based): chrX:71,384,942, T>C. VCF-style: chrX-71384942-T-C. GRCh37 (hg19) VCF-style: chrX-70604792-T-C.
Other names: c.2122-3T>C (NM_001286074.2); c.2059-3T>C (NM_138923.4).
Identifiers: ClinVar variation 2660878 (VCV002660878.27), dbSNP rs763256701, ClinGen allele CA10446829.
Genomic context (GRCh38, chrX:71,384,942, plus strand): 5'-TGGTCATATTGTGTAGGATTATTGATATATTCTAAATAACTGGGTCTTCTGTGTTCCTTA[T>C]AGAAACCTGGAAAAGATCCTGGAGCACCAGATTGTAAATATGGGGAAACTGTTTACTGCC-3'